The following is an entry in ClinVar:

NM_006662.3(SRCAP):c.1094C>T (p.Pro365Leu)

Gene: SRCAP (Snf2 related CREBBP activator protein; plus strand). Cytogenetic location: 16p11.2.
Variant type: single nucleotide variant.
Coding change: c.1094C>T on transcript NM_006662.3 (MANE Select); coding-DNA position 1094, C replaced by T.
Protein change: p.Pro365Leu; replaces proline 365 with leucine.
Molecular consequence: missense variant.
Genome position (GRCh38, 1-based): chr16:30,710,088, C>T. VCF-style: chr16-30710088-C-T. GRCh37 (hg19) VCF-style: chr16-30721409-C-T.
Other names: short protein forms P365L.
Identifiers: ClinVar variation 1473597 (VCV001473597.8), dbSNP rs1407239007, ClinGen allele CA395602798.

ClinVar aggregate classification (germline): Uncertain significance (1 of 4 stars; one submission).

Allele frequency attached by ClinVar (database versions not stated): gnomAD exomes below 0.00001; TOPMed below 0.00001.
gnomAD v4.1: 1 of 1,614,080 alleles (0.000062%); highest among the groups gnomAD compares: East Asian, 0.0022%; no homozygotes.

Submission:

Labcorp Genetics (formerly Invitae), Labcorp
Classification: Uncertain significance. Last evaluated: 2021-07-17. Review status: criteria provided, single submitter. Criteria: Invitae Variant Classification Sherloc (09022015). Collection method: clinical testing. Allele origin: germline.
Comment: This variant has not been reported in the literature in individuals affected with SRCAP-related conditions. This variant is not present in population databases (ExAC no frequency). This sequence change replaces proline with leucine at codon 365 of the SRCAP protein (p.Pro365Leu). The proline residue is highly conserved and there is a moderate physicochemical difference between proline and leucine. In summary, the available evidence is currently insufficient to determine the role of this variant in disease. Therefore, it has been classified as a Variant of Uncertain Significance. Algorithms developed to predict the effect of missense changes on protein structure and function output the following: SIFT: "Tolerated"; PolyPhen-2: "Not Available"; Align-GVGD: "Class C0". The leucine amino acid residue is found in multiple mammalian species, which suggests that this missense change does not adversely affect protein function.